The following is an entry in ClinVar:

ClinVar aggregate classification (germline): Conflicting classifications of pathogenicity. Review status: criteria provided, conflicting classifications (1 of 4 stars). 3 submissions from 3 submitters: Uncertain significance (2); Likely benign (1). Last evaluated 2025-12-01.

Conditions:
Asphyxiating thoracic dystrophy 3. Also called: Saldino-Noonan Syndrome; SHORT-RIB THORACIC DYSPLASIA 3 WITH OR WITHOUT POLYDACTYLY; POLYDACTYLY WITH NEONATAL CHONDRODYSTROPHY, TYPE I; SHORT-RIB THORACIC DYSPLASIA 3/6 WITH POLYDACTYLY, DIGENIC; Short rib polydactyly syndrome 2B. Identifiers: Orphanet 474, Orphanet 93269, Orphanet 93270, Orphanet 93271, MedGen C0036069, MONDO:0013127, OMIM 613091.
Inborn genetic diseases. Identifiers: MedGen C0950123, MeSH D030342.
Jeune thoracic dystrophy. Also called: Jeune syndrome; Infantile thoracic dystrophy; Thoracic pelvic phalangeal dystrophy; Jeune's syndrome; Chondroectodermal dysplasia-like syndrome; Short-rib thoracic dysplasia. Identifiers: Orphanet 474, MedGen C0265275, MONDO:0018770.

Allele frequency attached by ClinVar (database versions not stated): TOPMed 0.00003.
gnomAD v4.1: 64 of 1,610,750 alleles (0.004%); highest among the groups gnomAD compares: Middle Eastern, 0.066%; 1 homozygote.

Submissions (3):

Labcorp Genetics (formerly Invitae), Labcorp
Classification: Likely benign for Jeune thoracic dystrophy. Last evaluated: 2025-12-01. Review status: criteria provided, single submitter. Criteria: Invitae Variant Classification Sherloc (09022015). Collection method: clinical testing. Allele origin: germline.

Ambry Genetics
Classification: Uncertain significance for Inborn genetic diseases. Last evaluated: 2025-08-11. Review status: criteria provided, single submitter. Criteria: Ambry Variant Classification Scheme 2023. Collection method: clinical testing. Allele origin: germline.

ARUP Laboratories, Molecular Genetics and Genomics, ARUP Laboratories
Classification: Uncertain significance for Asphyxiating thoracic dystrophy 3. Last evaluated: 2021-05-12. Review status: criteria provided, single submitter. Criteria: ARUP Molecular Germline Variant Investigation Process 2021. Collection method: clinical testing. Allele origin: germline.
Comment: The DYNC2H1 c.6558C>A p.Asp2186Glu variant (rs199675558: ClinVar Variation ID: 811305), to our knowledge, has not been reported in the medical literature. This variant is listed in the Genome Aggregation Database (gnomAD) with a frequency of 0.04 percent in the South Asian population (identified on 13 out of 30,562 chromosomes). The aspartic acid at codon 2186 is moderately conserved, but computational analyses predict that this variant is neutral (REVEL: 0.064). However, based on the available information, the clinical significance of this variant is uncertain.

NM_001377.3(DYNC2H1):c.6558C>A (p.Asp2186Glu)

Gene: DYNC2H1 (dynein cytoplasmic 2 heavy chain 1; plus strand). Cytogenetic location: 11q22.3.
Variant type: single nucleotide variant.
Coding change: c.6558C>A on transcript NM_001377.3 (MANE Select); coding-DNA position 6558, C replaced by A.
Protein change: p.Asp2186Glu; replaces aspartic acid 2186 with glutamic acid.
Molecular consequence: missense variant.
Genome position (GRCh38, 1-based): chr11:103,184,976, C>A. VCF-style: chr11-103184976-C-A. GRCh37 (hg19) VCF-style: chr11-103055705-C-A.
Other names: c.6558C>A, p.Asp2186Glu (NM_001080463.2); c.6558C>A (NM_001080463.1); short protein forms D2186E.
Identifiers: ClinVar variation 811305 (VCV000811305.20), dbSNP rs199675558, ClinGen allele CA6254003.
Genomic context (GRCh38, chr11:103,184,976, plus strand): 5'-AAGTTTGGTTGGGACTGTGATGAATGGTTTGTCACATCTACATGGTTGCAGAGATCATGA[C>A]GAATTCATTATTAATCTCATAAGGGGACTTGGTGGAAATCTGAATATGAAGTCACGTTTG-3'
Protein context (NP_001368.2, residues 2176-2196): LSHLHGCRDH[Asp2186Glu]EFIINLIRGL